The following is an entry in ClinVar:

ClinVar aggregate classification (germline): Uncertain significance (1 of 4 stars; one submission).

Conditions:
Multiple acyl-CoA dehydrogenase deficiency (MADD). Also called: Glutaric aciduria, type 2; Glutaric Acidemia type 2; ETHYLMALONIC-ADIPICACIDURIA; GA II; Glutaric acidemia type II; GA 2. Identifiers: Orphanet 26791, MedGen C0268596, MONDO:0009282, OMIM 231680.

Submission:

Labcorp Genetics (formerly Invitae), Labcorp
Classification: Uncertain significance for Glutaric aciduria, type 2. Last evaluated: 2019-02-04. Review status: criteria provided, single submitter. Criteria: Invitae Variant Classification Sherloc (09022015). Collection method: clinical testing. Allele origin: germline.
Comment: This sequence change replaces glycine with glutamic acid at codon 466 of the ETFDH protein (p.Gly466Glu). The glycine residue is highly conserved and there is a moderate physicochemical difference between glycine and glutamic acid. This variant is not present in population databases (ExAC no frequency). This variant has not been reported in the literature in individuals with ETFDH-related conditions. Algorithms developed to predict the effect of missense changes on protein structure and function (SIFT, PolyPhen-2, Align-GVGD) all suggest that this variant is likely to be disruptive, but these predictions have not been confirmed by published functional studies and their clinical significance is uncertain. In summary, the available evidence is currently insufficient to determine the role of this variant in disease. Therefore, it has been classified as a Variant of Uncertain Significance.

NM_004453.4(ETFDH):c.1397G>A (p.Gly466Glu)

Gene: ETFDH (electron transfer flavoprotein dehydrogenase; plus strand). Cytogenetic location: 4q32.1.
Variant type: single nucleotide variant.
Coding change: c.1397G>A on transcript NM_004453.4 (MANE Select); coding-DNA position 1397, G replaced by A.
Protein change: p.Gly466Glu; replaces glycine 466 with glutamic acid.
Molecular consequence: missense variant.
Genome position (GRCh38, 1-based): chr4:158,706,300, G>A. VCF-style: chr4-158706300-G-A. GRCh37 (hg19) VCF-style: chr4-159627452-G-A.
Other names: c.1256G>A, p.Gly419Glu (NM_001281737.2); c.1214G>A, p.Gly405Glu (NM_001281738.1); short protein forms G419E, G405E, G466E.
Identifiers: ClinVar variation 853360 (VCV000853360.1), dbSNP rs1774612717, ClinGen allele CA358564488.